The following is an entry in ClinVar:

ClinVar aggregate classification (germline): Uncertain significance (1 of 4 stars; one submission).

Submission:

Labcorp Genetics (formerly Invitae), Labcorp
Classification: Uncertain significance. Last evaluated: 2025-03-27. Review status: criteria provided, single submitter. Criteria: Invitae Variant Classification Sherloc (09022015). Collection method: clinical testing. Allele origin: germline.
Comment: This sequence change replaces asparagine, which is neutral and polar, with tyrosine, which is neutral and polar, at codon 662 of the CUL3 protein (p.Asn662Tyr). This variant is not present in population databases (gnomAD no frequency). This variant has not been reported in the literature in individuals affected with CUL3-related conditions. Invitae Evidence Modeling of protein sequence and biophysical properties (such as structural, functional, and spatial information, amino acid conservation, physicochemical variation, residue mobility, and thermodynamic stability) indicates that this missense variant is expected to disrupt CUL3 protein function with a positive predictive value of 95%. In summary, the available evidence is currently insufficient to determine the role of this variant in disease. Therefore, it has been classified as a Variant of Uncertain Significance.

NM_003590.5(CUL3):c.1984A>T (p.Asn662Tyr)

Gene: CUL3 (cullin 3; minus strand). Cytogenetic location: 2q36.2.
Variant type: single nucleotide variant.
Coding change: c.1984A>T on transcript NM_003590.5 (MANE Select); coding-DNA position 1984, A replaced by T.
Protein change: p.Asn662Tyr; replaces asparagine 662 with tyrosine.
Molecular consequence: missense variant.
Genome position (GRCh38, 1-based): chr2:224,481,937, T>A on the plus strand (A>T on the coding strand, the complement: CUL3 is on the minus strand). VCF-style: chr2-224481937-T-A. GRCh37 (hg19) VCF-style: chr2-225346654-T-A.
Other names: c.1786A>T, p.Asn596Tyr (NM_001257197.2); c.2002A>T, p.Asn668Tyr (NM_001257198.2); short protein forms N596Y, N662Y, N668Y.
Identifiers: ClinVar variation 4747315 (VCV004747315.1).